The following is an entry in ClinVar:

NM_000419.5(ITGA2B):c.1192G>T (p.Asp398Tyr)

Gene: ITGA2B (integrin subunit alpha 2b; minus strand). Cytogenetic location: 17q21.31.
Variant type: single nucleotide variant.
Coding change: c.1192G>T on transcript NM_000419.5 (MANE Select); coding-DNA position 1192, G replaced by T.
Protein change: p.Asp398Tyr; replaces aspartic acid 398 with tyrosine.
Molecular consequence: missense variant.
Genome position (GRCh38, 1-based): chr17:44,383,511, C>A on the plus strand (G>T on the coding strand, the complement: ITGA2B is on the minus strand). VCF-style: chr17-44383511-C-A. GRCh37 (hg19) VCF-style: chr17-42460879-C-A.
Other names: short protein forms D398Y.
Identifiers: ClinVar variation 861327 (VCV000861327.10), dbSNP rs746322312, ClinGen allele CA399804300.

ClinVar aggregate classification (germline): Uncertain significance (1 of 4 stars; one submission).

Conditions:
Glanzmann thrombasthenia. Also called: BLEEDING DISORDER, PLATELET-TYPE, 2; THROMBASTHENIA OF GLANZMANN AND NAEGELI; PLATELET GLYCOPROTEIN IIb-IIIa DEFICIENCY; Glanzmann's thrombasthenia; Thrombasthenia. Identifiers: Orphanet 849, MedGen C0040015, MONDO:0100326.

Submission:

Labcorp Genetics (formerly Invitae), Labcorp
Classification: Uncertain significance for Glanzmann thrombasthenia. Last evaluated: 2019-12-02. Review status: criteria provided, single submitter. Criteria: Invitae Variant Classification Sherloc (09022015). Collection method: clinical testing. Allele origin: germline.
Comment: This sequence change replaces aspartic acid with tyrosine at codon 398 of the ITGA2B protein (p.Asp398Tyr). The aspartic acid residue is moderately conserved and there is a large physicochemical difference between aspartic acid and tyrosine. This variant is not present in population databases (ExAC no frequency). This variant has been observed in individual(s) with Glanzmann thrombasthenia (Invitae). In at least one individual the data is consistent with the variant being in trans (on the opposite chromosome) from a pathogenic variant. Algorithms developed to predict the effect of missense changes on protein structure and function (SIFT, PolyPhen-2, Align-GVGD) all suggest that this variant is likely to be disruptive, but these predictions have not been confirmed by published functional studies and their clinical significance is uncertain. In summary, the available evidence is currently insufficient to determine the role of this variant in disease. Therefore, it has been classified as a Variant of Uncertain Significance.